The following is an entry in ClinVar:

NM_021831.6(AGBL5):c.920G>A (p.Arg307His)

Gene: AGBL5 (AGBL carboxypeptidase 5; plus strand). Cytogenetic location: 2p23.3.
Variant type: single nucleotide variant.
Coding change: c.920G>A on transcript NM_021831.6 (MANE Select); coding-DNA position 920, G replaced by A.
Protein change: p.Arg307His; replaces arginine 307 with histidine.
Molecular consequence: missense variant. On other transcripts: non-coding transcript variant (2).
Genome position (GRCh38, 1-based): chr2:27,055,693, G>A. VCF-style: chr2-27055693-G-A. GRCh37 (hg19) VCF-style: chr2-27278561-G-A.
Other names: c.920G>A, p.Arg307His (NM_001035507.3); c.920G>A (NM_021831.5); short protein forms R307H.
Identifiers: ClinVar variation 1002693 (VCV001002693.8), dbSNP rs149553528, ClinGen allele CA1567771.

ClinVar aggregate classification (germline): Uncertain significance. Review status: criteria provided, multiple submitters, no conflicts (2 of 4 stars). 3 submissions from 3 submitters: Uncertain significance (3). Last evaluated 2025-03-03.

Conditions:
Inborn genetic diseases. Identifiers: MedGen C0950123, MeSH D030342.

Allele frequency attached by ClinVar (database versions not stated): gnomAD exomes 0.00001 and 0.00002; ExAC 0.00004; TOPMed 0.00010; gnomAD 0.00015; 1000 Genomes Project 30x 0.00016; ESP Exome Variant Server 0.00031.
gnomAD v4.1: 35 of 1,612,990 alleles (0.0022%); highest among the groups gnomAD compares: African/African-American, 0.039%; no homozygotes.

Submissions (3):

Ambry Genetics
Classification: Uncertain significance for Inborn genetic diseases. Last evaluated: 2025-03-03. Review status: criteria provided, single submitter. Criteria: Ambry Variant Classification Scheme 2023. Collection method: clinical testing. Allele origin: germline.

Blueprint Genetics
Classification: Uncertain significance. Last evaluated: 2021-08-31. Review status: criteria provided, single submitter. Criteria: ACMG Guidelines, 2015. Collection method: clinical testing. Allele origin: germline.

Labcorp Genetics (formerly Invitae), Labcorp
Classification: Uncertain significance. Last evaluated: 2021-08-27. Review status: criteria provided, single submitter. Criteria: Invitae Variant Classification Sherloc (09022015). Collection method: clinical testing. Allele origin: germline.
Comment: This sequence change replaces arginine with histidine at codon 307 of the AGBL5 protein (p.Arg307His). The arginine residue is moderately conserved and there is a small physicochemical difference between arginine and histidine. This variant is present in population databases (rs149553528, ExAC 0.04%). This variant has not been reported in the literature in individuals affected with AGBL5-related conditions. Algorithms developed to predict the effect of missense changes on protein structure and function are either unavailable or do not agree on the potential impact of this missense change (SIFT: "Deleterious"; PolyPhen-2: "Possibly Damaging"; Align-GVGD: "Class C0"). In summary, the available evidence is currently insufficient to determine the role of this variant in disease. Therefore, it has been classified as a Variant of Uncertain Significance.